The following is an entry in ClinVar:

NM_201384.3(PLEC):c.10270G>A (p.Glu3424Lys)

Gene: PLEC (plectin; minus strand). Cytogenetic location: 8q24.3.
Variant type: single nucleotide variant.
Coding change: c.10270G>A on transcript NM_201384.3 (MANE Select); coding-DNA position 10270, G replaced by A.
Protein change: p.Glu3424Lys; replaces glutamic acid 3424 with lysine.
Molecular consequence: missense variant.
Genome position (GRCh38, 1-based): chr8:143,919,551, C>T on the plus strand (G>A on the coding strand, the complement: PLEC is on the minus strand). VCF-style: chr8-143919551-C-T. GRCh37 (hg19) VCF-style: chr8-144993719-C-T.
Other names: c.10351G>A, p.Glu3451Lys (NM_000445.5); c.10228G>A, p.Glu3410Lys (NM_201378.4); c.10204G>A, p.Glu3402Lys (NM_201379.3); c.10681G>A, p.Glu3561Lys (NM_201380.4); c.10174G>A, p.Glu3392Lys (NM_201381.3); c.10270G>A, p.Glu3424Lys (NM_201382.4); c.10282G>A, p.Glu3428Lys (NM_201383.3); short protein forms E3392K, E3402K, E3410K, E3424K, E3428K, E3451K, E3561K.
Identifiers: ClinVar variation 450362 (VCV000450362.2), dbSNP rs371846683, ClinGen allele CA4924704.

ClinVar aggregate classification (germline): Uncertain significance (1 of 4 stars; one submission).

Allele frequency attached by ClinVar (database versions not stated): TOPMed 0.00002 and 0.00001; ExAC 0.00003; gnomAD 0.00003 and 0.00001; ESP Exome Variant Server 0.00008; gnomAD exomes 0.00001.
gnomAD v4.1: 11 of 1,608,994 alleles (0.00068%); highest among the groups gnomAD compares: African/African-American, 0.0013%; no homozygotes.

Submission:

GeneDx
Classification: Uncertain significance. Last evaluated: 2018-10-02. Review status: criteria provided, single submitter. Criteria: GeneDx Variant Classification (06012015). Collection method: clinical testing. Allele origin: germline. Affected: yes.
Comment: The E3451K variant in the PLEC gene has not been reported previously as a pathogenic variant, nor as a benign variant, to our knowledge. The E3451K variant is not observed at a significant frequency in large population cohorts (Lek et al., 2016; 1000 Genomes Consortium et al., 2015; Exome Variant Server). The E3451K variant is a non-conservative amino acid substitution, which is likely to impact secondary protein structure as these residues differ in polarity, charge, size and/or other properties. This substitution occurs at a position where amino acids with similar properties to Glutamic acid are tolerated across species. In silico analysis predicts this variant is probably damaging to the protein structure/function.We interpret E3451K as a variant of uncertain significance.